The following is an entry in ClinVar:

ClinVar aggregate classification (germline): Uncertain significance (1 of 4 stars; one submission).

Conditions:
Dilated cardiomyopathy 1DD (CMD1DD). Identifiers: Orphanet 154, MedGen C2750995, MONDO:0013168, OMIM 613172.

Submission:

Labcorp Genetics (formerly Invitae), Labcorp
Classification: Uncertain significance for Dilated cardiomyopathy 1DD. Last evaluated: 2022-01-12. Review status: criteria provided, single submitter. Criteria: Invitae Variant Classification Sherloc (09022015). Collection method: clinical testing. Allele origin: germline.
Comment: In summary, the available evidence is currently insufficient to determine the role of this variant in disease. Therefore, it has been classified as a Variant of Uncertain Significance. Advanced modeling of protein sequence and biophysical properties (such as structural, functional, and spatial information, amino acid conservation, physicochemical variation, residue mobility, and thermodynamic stability) performed at Invitae indicates that this missense variant is not expected to disrupt RBM20 protein function. ClinVar contains an entry for this variant (Variation ID: 951198). This variant has not been reported in the literature in individuals affected with RBM20-related conditions. This variant is not present in population databases (gnomAD no frequency). This sequence change replaces glutamic acid, which is acidic and polar, with aspartic acid, which is acidic and polar, at codon 1204 of the RBM20 protein (p.Glu1204Asp).

NM_001134363.3(RBM20):c.3612G>T (p.Glu1204Asp)

Gene: RBM20 (RNA binding motif protein 20; plus strand). Cytogenetic location: 10q25.2.
Variant type: single nucleotide variant.
Coding change: c.3612G>T on transcript NM_001134363.3 (MANE Select); coding-DNA position 3612, G replaced by T.
Protein change: p.Glu1204Asp; replaces glutamic acid 1204 with aspartic acid.
Molecular consequence: missense variant.
Genome position (GRCh38, 1-based): chr10:110,835,906, G>T. VCF-style: chr10-110835906-G-T. GRCh37 (hg19) VCF-style: chr10-112595664-G-T.
Other names: short protein forms E1204D.
Identifiers: ClinVar variation 951198 (VCV000951198.9), dbSNP rs1845120577, ClinGen allele CA378388046.
Genomic context (GRCh38, chr10:110,835,906, plus strand): 5'-ACTTCCCCTCTTCTTTCCACAGAAATATTTGTCCCAGCTGGCCGAGGAGGGCCTCAAGGA[G>T]ACCGAGGGGGCAGATAGCCCGAGGCCAGAGGACAGCGGAATCGTGCCACGCTTCGAAAGG-3'
Protein context (NP_001127835.2, residues 1194-1214): LSQLAEEGLK[Glu1204Asp]TEGADSPRPE